The following is an entry in ClinVar:

ClinVar aggregate classification (germline): Uncertain significance/Uncertain risk allele. Review status: criteria provided, multiple submitters, no conflicts (2 of 4 stars). 7 submissions from 7 submitters: Uncertain significance (6); Uncertain risk allele (1). Last evaluated 2025-12-02.

Conditions:
Familial thoracic aortic aneurysm and aortic dissection (TAAD). Also called: Thoracic aortic aneurysms and dissections. Identifiers: Orphanet 91387, MedGen C4707243, MONDO:0019625.
Diabetic retinopathy. Identifiers: MedGen C0011884, MONDO:0005266.
Loeys-Dietz syndrome 2 (LDS2). Also called: TGFBR2-Related Loeys-Dietz Syndrome; AORTIC ANEURYSM, FAMILIAL THORACIC 3; MARFAN SYNDROME, TYPE II; Marfan Syndrome type 2; Marfan like connective tissue disorder; MFS 2. Identifiers: Orphanet 284973, Orphanet 558, MedGen C2674574, MONDO:0012427, OMIM 610168.

Allele frequency attached by ClinVar (database versions not stated): gnomAD exomes 0.00002 and 0.00006; TOPMed 0.00002; gnomAD 0.00003; ExAC 0.00004.
gnomAD v4.1: 102 of 1,602,816 alleles (0.0064%); highest among the groups gnomAD compares: Non-Finnish European, 0.0076%; no homozygotes.

Submissions (7):

Labcorp Genetics (formerly Invitae), Labcorp
Classification: Uncertain significance for Familial thoracic aortic aneurysm and aortic dissection. Last evaluated: 2025-12-02. Review status: criteria provided, single submitter. Criteria: Invitae Variant Classification Sherloc (09022015). Collection method: clinical testing. Allele origin: germline.
Comment: This sequence change replaces serine, which is neutral and polar, with cysteine, which is neutral and slightly polar, at codon 22 of the TGFBR2 protein (p.Ser22Cys). The frequency data for this variant in the population databases is considered unreliable, as metrics indicate poor data quality at this position in the gnomAD database. This variant has not been reported in the literature in individuals affected with TGFBR2-related conditions. ClinVar contains an entry for this variant (Variation ID: 924974). Invitae Evidence Modeling incorporating data from in vitro experimental studies (internal data) indicates that this missense variant is expected to disrupt TGFBR2 function with a positive predictive value of 80%. In summary, the available evidence is currently insufficient to determine the role of this variant in disease. Therefore, it has been classified as a Variant of Uncertain Significance.

Ambry Genetics
Classification: Uncertain significance for Familial thoracic aortic aneurysm and aortic dissection. Last evaluated: 2025-11-08. Review status: criteria provided, single submitter. Criteria: Ambry Variant Classification Scheme 2023. Collection method: clinical testing. Allele origin: germline.

Color Diagnostics, LLC DBA Color Health
Classification: Uncertain significance for Familial thoracic aortic aneurysm and aortic dissection. Last evaluated: 2024-03-06. Review status: criteria provided, single submitter. Criteria: ACMG Guidelines, 2015. Collection method: clinical testing. Allele origin: germline.
Comment: This missense variant replaces serine with cysteine at codon 22 of the TGFBR2 protein. Computational prediction is inconclusive regarding the impact of this variant on protein structure and function (internally defined REVEL score threshold 0.5 < inconclusive < 0.7, PMID: 27666373). To our knowledge, functional studies have not been reported for this variant. This variant has not been reported in individuals affected with cardiovascular disorders in the literature. This variant has been identified in 6/256140 chromosomes in the general population by the Genome Aggregation Database (gnomAD). The available evidence is insufficient to determine the role of this variant in disease conclusively. Therefore, this variant is classified as a Variant of Uncertain Significance.

All of Us Research Program, National Institutes of Health
Classification: Uncertain significance for Loeys-Dietz syndrome 2. Last evaluated: 2024-01-11. Review status: criteria provided, single submitter. Criteria: ACMG Guidelines, 2015. Collection method: clinical testing. Allele origin: germline. Inheritance: Autosomal dominant inheritance. Observed: 8 variant alleles, 8 heterozygotes.
Comment: This missense variant replaces serine with cysteine at codon 22 of the TGFBR2 protein. Computational prediction is inconclusive regarding the impact of this variant on protein structure and function (internally defined REVEL score threshold 0.5 < inconclusive < 0.7, PMID: 27666373). To our knowledge, functional studies have not been reported for this variant. This variant has not been reported in individuals affected with cardiovascular disorders in the literature. This variant has been identified in 6/256140 chromosomes in the general population by the Genome Aggregation Database (gnomAD). The available evidence is insufficient to determine the role of this variant in disease conclusively. Therefore, this variant is classified as a Variant of Uncertain Significance.

This study involves interpretation of variants in research participants for the purpose of population health screening. Participant phenotype was not available at the time of variant classification. Additional details can be found in publication PMID: 35346344, PMCID: PMC8962531

GeneDx
Classification: Uncertain significance. Last evaluated: 2023-07-21. Review status: criteria provided, single submitter. Criteria: GeneDx Variant Classification Process June 2021. Collection method: clinical testing. Allele origin: germline. Affected: yes.
Comment: Has not been previously published as pathogenic or benign to our knowledge; In silico analysis supports that this missense variant does not alter protein structure/function

CHEO Genetics Diagnostic Laboratory, Children's Hospital of Eastern Ontario
Classification: Uncertain significance for Familial thoracic aortic aneurysm and aortic dissection. Last evaluated: 2023-04-03. Review status: criteria provided, single submitter. Criteria: ACMG Guidelines, 2015. Collection method: clinical testing. Allele origin: germline.

Clinical Genomics, Uppaluri K&H Personalized Medicine Clinic
Classification: Uncertain risk allele for Diabetic retinopathy. Review status: criteria provided, single submitter. Criteria: K And H Uppaluri Personalized Medicine Clinic Variant Classification And Assertion Criteria Updated V 2. Collection method: research. Allele origin: unknown.
Comment: Potent mutations in TGFBR2 gene encodes the transforming growth factor that have been associated with angiogenesis and diabetic retinopathy. More clinical studies are needed for stronger association. However, more evidence is required to confer the association of this particular variant rs767407566 with diabetic retinopathy.

Literature cited by the submitters: PubMed 30222965 (cited by Clinical Genomics, Uppaluri K&H Personalized Medicine Clinic); PubMed 28162229 (cited by Clinical Genomics, Uppaluri K&H Personalized Medicine Clinic); PubMed 34572573 (cited by Clinical Genomics, Uppaluri K&H Personalized Medicine Clinic).

NM_003242.6(TGFBR2):c.64A>T (p.Ser22Cys)

Gene: TGFBR2 (transforming growth factor beta receptor 2; plus strand). Cytogenetic location: 3p24.1.
Variant type: single nucleotide variant.
Coding change: c.64A>T on transcript NM_003242.6 (MANE Select); coding-DNA position 64, A replaced by T.
Protein change: p.Ser22Cys; replaces serine 22 with cysteine.
Molecular consequence: missense variant.
Genome position (GRCh38, 1-based): chr3:30,606,947, A>T. VCF-style: chr3-30606947-A-T. GRCh37 (hg19) VCF-style: chr3-30648439-A-T.
Other names: c.64A>T, p.Ser22Cys (NM_001024847.3, NM_001407126.1, NM_001407127.1 and 4 more transcripts); c.-220A>T (NM_001407133.1); c.-98A>T (NM_001407134.1); c.-145A>T (NM_001407135.1); c.-230A>T (NM_001407136.1); short protein forms S22C.
Identifiers: ClinVar variation 924974 (VCV000924974.21), dbSNP rs767407566, ClinGen allele CA049553.